The following is an entry in ClinVar:

ClinVar aggregate classification (germline): Uncertain significance (1 of 4 stars; one submission).

Submission:

Labcorp Genetics (formerly Invitae), Labcorp
Classification: Uncertain significance. Last evaluated: 2023-10-05. Review status: criteria provided, single submitter. Criteria: Invitae Variant Classification Sherloc (09022015). Collection method: clinical testing. Allele origin: germline.
Comment: This sequence change replaces glycine, which is neutral and non-polar, with valine, which is neutral and non-polar, at codon 2375 of the USH2A protein (p.Gly2375Val). This variant is not present in population databases (gnomAD no frequency). This variant has not been reported in the literature in individuals affected with USH2A-related conditions. Advanced modeling of protein sequence and biophysical properties (such as structural, functional, and spatial information, amino acid conservation, physicochemical variation, residue mobility, and thermodynamic stability) performed at Invitae indicates that this missense variant is not expected to disrupt USH2A protein function. In summary, the available evidence is currently insufficient to determine the role of this variant in disease. Therefore, it has been classified as a Variant of Uncertain Significance.

NM_206933.4(USH2A):c.7124G>T (p.Gly2375Val)

Gene: USH2A (usherin; minus strand). Cytogenetic location: 1q41.
Variant type: single nucleotide variant.
Coding change: c.7124G>T on transcript NM_206933.4 (MANE Select); coding-DNA position 7124, G replaced by T.
Protein change: p.Gly2375Val; replaces glycine 2375 with valine.
Molecular consequence: missense variant.
Genome position (GRCh38, 1-based): chr1:215,934,792, C>A on the plus strand (G>T on the coding strand, the complement: USH2A is on the minus strand). VCF-style: chr1-215934792-C-A. GRCh37 (hg19) VCF-style: chr1-216108134-C-A.
Other names: short protein forms G2375V.
Identifiers: ClinVar variation 2871134 (VCV002871134.3), dbSNP rs2464889966, ClinGen allele CA344858091.
Genomic context (GRCh38, chr1:215,934,792, plus strand): 5'-AGGTTTGTCTCTTCTCCGCTGTACATGACTTTTGTGACATTCAGAAGGGTGTAGTTATTA[C>A]CTACTGATTAAAAAAGAAAATTATTAAAATAAATACATATTTAAGAATTCATTCCTGCTA-3'
Protein context (NP_996816.3, residues 2365-2385): FTGIFYVDPV[Gly2375Val]NNYTLLNVTK